The following is an entry in ClinVar:

NM_001267550.2(TTN):c.96210_96213dup (p.Val32072fs)

Genes: TTN (titin; minus strand), TTN-AS1 (TTN antisense RNA 1; plus strand), LOC126806421 (CDK7 strongly-dependent group 2 enhancer GRCh37_chr2:179407630-179408829; plus strand). Cytogenetic location: 2q31.2.
Variant type: Duplication.
Coding change: c.96210_96213dup on transcript NM_001267550.2 (MANE Select); coding-DNA positions 96210 to 96213, 4 bases duplicated (AATA; older notation c.96210_96213dupAATA).
Protein change: p.Val32072fs; shifts the reading frame from valine 32072.
Molecular consequence: frameshift variant.
Genome position (GRCh38, 1-based): chr2:178,543,931-178,543,934, TATT duplicated on the plus strand (AATA on the coding strand, the reverse complement: TTN is on the minus strand). VCF-style (leftmost placement, unchanged base first): chr2-178543930-C-CTATT. GRCh37 (hg19) VCF-style: chr2-179408657-C-CTATT.
Other names: c.91287_91290dup, p.Val30431fs (NM_001256850.1); c.69015_69018dup, p.Val23007fs (NM_003319.4); c.88506_88509dup, p.Val29504fs (NM_133378.4); c.69390_69393dup, p.Val23132fs (NM_133432.3); c.69591_69594dup, p.Val23199fs (NM_133437.4); c.96210_96213dupAATA (NM_001267550.2); short protein forms V29504fs, V30431fs, V23199fs, V32072fs, V23007fs, V23132fs.
Identifiers: ClinVar variation 4996587 (VCV004996587.1).
Genomic context (GRCh38, chr2:178,543,930, plus strand): 5'-CAGATTGGTTTTCAGCTTCAATTGTGTATTTTCCAGCATCGTACCGATTAACTTTGTCCA[C>CTATT]TATTAGCAATGAGTAGCTCTCAGTGGTGTCAATAATTGCCCGGCTTGCAAGGTCAATGCC-3'

ClinVar aggregate classification (germline): Likely pathogenic (1 of 4 stars; one submission).

Conditions:
TTN-related disorder. Also called: TTN-related disorders; TTN-related condition; TTN-related disease.

Submission:

PreventionGenetics, part of Exact Sciences
Classification: Likely pathogenic for TTN-related condition. Last evaluated: 2026-02-09. Review status: criteria provided, single submitter. Criteria: ACMG Guidelines, 2015. Collection method: clinical testing. Allele origin: germline.
Comment: The TTN c.96210_96213dupAATA variant is predicted to result in a frameshift and premature protein termination (p.Val32072Asnfs*6). This variant is also described as c.88506_88509dupAATA, p.(Val29504Asnfs*6) in an alternate transcript (NM_133378). To our knowledge, this variant has not been reported in individuals with TTN-associated disease at this time. This variant has not been reported in a large population database (gnomAD), indicating this variant is rare. This variant is located in the A-band region of the protein in which truncating TTN variants have been found more frequently in dilated cardiomyopathy patients than in controls (Herman et al. 2012. PubMed ID: 22335739). RNAseq studies from heart tissue indicate this exon is commonly included in TTN mRNA transcripts (PSI of 98%-100%, Roberts et al. 2015. PubMed ID: 25589632). TTN loss-of-function variants occurring in constitutively expressed exons (PSI > 90%) are more likely to be disease causing for TTN cardiac-related disorders regardless of band location (Roberts et al. 2015. PubMed ID: 25589632; Schafer et al. 2017. PubMed ID: 27869827; Akhtar et al. 2020. PubMed ID: 32964742). Many cases of recessive TTN-related myopathies in which the individual is compound heterozygous for two loss-of-function variants in TTN have also been reported (Ge et al. 2019. PubMed ID: 31053406; Oates et al. 2018. PubMed ID: 29691892; Rees et al. 2021. PubMed ID: 33449170). In summary, this variant is categorized as likely pathogenic. Of note, this variant is considered likely pathogenic for increased risk of TTN-related cardiac disorders, and also for autosomal recessive TTN-related congenital titinopathies.